The following is an entry in ClinVar:

ClinVar aggregate classification (germline): Uncertain significance (1 of 4 stars; one submission).

Allele frequency attached by ClinVar (database versions not stated): ExAC 0.00002; gnomAD 0.00002; gnomAD exomes 0.00003 and 0.00006; TOPMed 0.00005.

Submission:

GeneDx
Classification: Uncertain significance. Last evaluated: 2021-05-18. Review status: criteria provided, single submitter. Criteria: GeneDx Variant Classification Process June 2021. Collection method: clinical testing. Allele origin: germline. Affected: yes.
Comment: Has not been previously published as pathogenic or benign to our knowledge; In-silico analysis, which includes splice predictors and evolutionary conservation, is inconclusive as to whether the variant alters gene splicing. In the absence of RNA/functional studies, the actual effect of this sequence change is unknown.

NM_001303052.2(MYT1L):c.3081-15_3081-8dup

Gene: MYT1L (myelin transcription factor 1 like; minus strand). Cytogenetic location: 2p25.3.
Variant type: Duplication.
Coding change: c.3081-15_3081-8dup on transcript NM_001303052.2 (MANE Select); 15 bases into the intron before coding-DNA position 3081 through 8 bases into the intron before coding-DNA position 3081, 8 bases duplicated (GTGTCTTG; older notation c.3081-15_3081-8dupGTGTCTTG).
Molecular consequence: intron variant.
Genome position (GRCh38, 1-based): chr2:1,809,175-1,809,182, CAAGACAC duplicated on the plus strand (GTGTCTTG on the coding strand, the reverse complement: MYT1L is on the minus strand). VCF-style (leftmost placement, unchanged base first): chr2-1809174-A-ACAAGACAC. GRCh37 (hg19) VCF-style: chr2-1812946-A-ACAAGACAC.
Other names: c.3075-15_3075-8dup (NM_015025.4, NM_001329847.2, NM_001329848.1 and 3 more transcripts); c.3081-15_3081-8dup (NM_001329844.2, NM_001329845.1, NM_001329851.3).
Identifiers: ClinVar variation 1326209 (VCV001326209.2), dbSNP rs779563732, ClinGen allele CA1513866.